The following is an entry in ClinVar:

ClinVar aggregate classification (germline): Uncertain significance (1 of 4 stars; one submission).

Conditions:
Hereditary nonpolyposis colorectal neoplasms. Identifiers: MedGen C0009405, MeSH D003123.

Submission:

Labcorp Genetics (formerly Invitae), Labcorp
Classification: Uncertain significance for Hereditary nonpolyposis colorectal neoplasms. Last evaluated: 2024-04-24. Review status: criteria provided, single submitter. Criteria: Invitae Variant Classification Sherloc (09022015). Collection method: clinical testing. Allele origin: germline.
Comment: This sequence change replaces alanine, which is neutral and non-polar, with serine, which is neutral and polar, at codon 1147 of the MSH6 protein (p.Ala1147Ser). This variant is not present in population databases (gnomAD no frequency). This variant has not been reported in the literature in individuals affected with MSH6-related conditions. An algorithm developed to predict the effect of missense changes on protein structure and function (PolyPhen-2) suggests that this variant is likely to be disruptive. Algorithms developed to predict the effect of sequence changes on RNA splicing suggest that this variant may disrupt the consensus splice site. In summary, the available evidence is currently insufficient to determine the role of this variant in disease. Therefore, it has been classified as a Variant of Uncertain Significance.

NM_000179.3(MSH6):c.3439G>T (p.Ala1147Ser)

Gene: MSH6 (mutS homolog 6; plus strand). Cytogenetic location: 2p16.3.
Variant type: single nucleotide variant.
Coding change: c.3439G>T on transcript NM_000179.3 (MANE Select); coding-DNA position 3439, G replaced by T.
Protein change: p.Ala1147Ser; replaces alanine 1147 with serine.
Molecular consequence: missense variant. On other transcripts: non-coding transcript variant (4).
Genome position (GRCh38, 1-based): chr2:47,804,910, G>T. VCF-style: chr2-47804910-G-T. GRCh37 (hg19) VCF-style: chr2-48032049-G-T.
Other names: c.3265G>T, p.Ala1089Ser (NM_001406798.1); c.2914G>T, p.Ala972Ser (NM_001406799.1, NM_001406806.1, NM_001406807.1); c.3439G>T, p.Ala1147Ser (NM_001406800.1, NM_001406808.1, NM_001406809.1 and 1 more transcripts); c.3142G>T, p.Ala1048Ser (NM_001406801.1, NM_001406805.1, NM_001406797.1 and 10 more transcripts); c.3535G>T, p.Ala1179Ser (NM_001406802.1, NM_001406795.1); c.2575G>T, p.Ala859Ser (NM_001406803.1); c.3361G>T, p.Ala1121Ser (NM_001406804.1); c.2533G>T, p.Ala845Ser (NM_001406811.1, NM_001406812.1, NM_001406814.1 and 6 more transcripts); and 7 more; short protein forms A1121S, A1147S, A1149S, A1048S, A1091S, A1179S, A1089S, A462S.
Identifiers: ClinVar variation 3686183 (VCV003686183.2).